The following is an entry in ClinVar:

ClinVar aggregate classification (germline): Uncertain significance. Review status: criteria provided, multiple submitters, no conflicts (2 of 4 stars). 3 submissions from 3 submitters: Uncertain significance (2). 1 of the submissions does not count toward it. Last evaluated 2025-10-11.

Conditions:
SLC51B-related disorder. Also called: SLC51B-related condition.

Allele frequency attached by ClinVar (database versions not stated): gnomAD 0.00006; ESP Exome Variant Server 0.00023; TOPMed 0.00004; ExAC 0.00002.
gnomAD v4.1: 108 of 1,613,958 alleles (0.0067%); highest among the groups gnomAD compares: Non-Finnish European, 0.0086%; no homozygotes.

Submissions (3):

Labcorp Genetics (formerly Invitae), Labcorp
Classification: Uncertain significance. Last evaluated: 2025-10-11. Review status: criteria provided, single submitter. Criteria: Invitae Variant Classification Sherloc (09022015). Collection method: clinical testing. Allele origin: germline.
Comment: This sequence change replaces asparagine, which is neutral and polar, with threonine, which is neutral and polar, at codon 91 of the SLC51B protein (p.Asn91Thr). This variant is present in population databases (rs147682812, gnomAD 0.009%). This variant has not been reported in the literature in individuals affected with SLC51B-related conditions. ClinVar contains an entry for this variant (Variation ID: 1975817). An algorithm developed to predict the effect of missense changes on protein structure and function outputs the following: PolyPhen-2: "Benign". The threonine amino acid residue is found in multiple mammalian species, which suggests that this missense change does not adversely affect protein function. In summary, the available evidence is currently insufficient to determine the role of this variant in disease. Therefore, it has been classified as a Variant of Uncertain Significance.

Ambry Genetics
Classification: Uncertain significance. Last evaluated: 2025-08-20. Review status: criteria provided, single submitter. Criteria: Ambry Variant Classification Scheme 2023. Collection method: clinical testing. Allele origin: germline.

PreventionGenetics, part of Exact Sciences
Classification: Uncertain significance for SLC51B-related condition. Last evaluated: 2024-05-09. Review status: no assertion criteria provided. Collection method: clinical testing. Allele origin: germline. Not counted in ClinVar's aggregate classification.
Comment: The SLC51B c.272A>C variant is predicted to result in the amino acid substitution p.Asn91Thr. To our knowledge, this variant has not been reported in the literature. This variant is reported in 0.0085% of alleles in individuals of Latino descent in gnomAD. At this time, the clinical significance of this variant is uncertain due to the absence of conclusive functional and genetic evidence.

NM_178859.4(SLC51B):c.272A>C (p.Asn91Thr)

Genes: RASL12 (RAS like family 12; minus strand), SLC51B (SLC51 subunit beta; plus strand). Cytogenetic location: 15q22.31.
Variant type: single nucleotide variant.
Coding change: c.272A>C on transcript NM_178859.4 (MANE Select); coding-DNA position 272, A replaced by C.
Protein change: p.Asn91Thr; replaces asparagine 91 with threonine.
Molecular consequence: missense variant.
Genome position (GRCh38, 1-based): chr15:65,053,049, A>C. VCF-style: chr15-65053049-A-C. GRCh37 (hg19) VCF-style: chr15-65345387-A-C.
Other names: short protein forms N91T.
Identifiers: ClinVar variation 1975817 (VCV001975817.8), dbSNP rs147682812, ClinGen allele CA7613517.